The following is an entry in ClinVar:

ClinVar aggregate classification (germline): Uncertain significance (1 of 4 stars; one submission).

Allele frequency attached by ClinVar (database versions not stated): gnomAD exomes below 0.00001; ExAC 0.00002.
gnomAD v4.1: 1 of 1,594,916 alleles (0.000063%); highest among the groups gnomAD compares: Admixed American, 0.0018%; no homozygotes.

Submission:

Labcorp Genetics (formerly Invitae), Labcorp
Classification: Uncertain significance. Last evaluated: 2022-07-14. Review status: criteria provided, single submitter. Criteria: Invitae Variant Classification Sherloc (09022015). Collection method: clinical testing. Allele origin: germline.
Comment: This sequence change replaces glycine, which is neutral and non-polar, with arginine, which is basic and polar, at codon 6187 of the ADGRV1 protein (p.Gly6187Arg). This variant is present in population databases (rs754300385, gnomAD 0.003%). This variant has not been reported in the literature in individuals affected with ADGRV1-related conditions. Algorithms developed to predict the effect of missense changes on protein structure and function are either unavailable or do not agree on the potential impact of this missense change (SIFT: "Deleterious"; PolyPhen-2: "Probably Damaging"; Align-GVGD: "Class C0"). In summary, the available evidence is currently insufficient to determine the role of this variant in disease. Therefore, it has been classified as a Variant of Uncertain Significance.

NM_032119.4(ADGRV1):c.18559G>C (p.Gly6187Arg)

Gene: ADGRV1 (adhesion G protein-coupled receptor V1; plus strand). Cytogenetic location: 5q14.3.
Variant type: single nucleotide variant.
Coding change: c.18559G>C on transcript NM_032119.4 (MANE Select); coding-DNA position 18559, G replaced by C.
Protein change: p.Gly6187Arg; replaces glycine 6187 with arginine.
Molecular consequence: missense variant. On other transcripts: non-coding transcript variant (1).
Genome position (GRCh38, 1-based): chr5:91,150,156, G>C. VCF-style: chr5-91150156-G-C. GRCh37 (hg19) VCF-style: chr5-90445973-G-C.
Other names: short protein forms G6187R.
Identifiers: ClinVar variation 1992511 (VCV001992511.4), dbSNP rs754300385, ClinGen allele CA3342686.